The following is an entry in ClinVar:

ClinVar aggregate classification (germline): Uncertain significance (1 of 4 stars; one submission).

gnomAD v4.1: 1 of 1,551,640 alleles (0.000064%); highest among the groups gnomAD compares: East Asian, 0.0024%; no homozygotes.

Submission:

GeneDx
Classification: Uncertain significance. Last evaluated: 2023-12-13. Review status: criteria provided, single submitter. Criteria: GeneDx Variant Classification Process June 2021. Collection method: clinical testing. Allele origin: germline. Affected: yes.
Comment: Not observed at significant frequency in large population cohorts (gnomAD); In silico analysis supports that this missense variant has a deleterious effect on protein structure/function; Has not been previously published as pathogenic or benign to our knowledge

NM_001367479.1(DNAH14):c.6013G>A (p.Val2005Met)

Gene: DNAH14 (dynein axonemal heavy chain 14; plus strand). Cytogenetic location: 1q42.12.
Variant type: single nucleotide variant.
Coding change: c.6013G>A on transcript NM_001367479.1 (MANE Select); coding-DNA position 6013, G replaced by A.
Protein change: p.Val2005Met; replaces valine 2005 with methionine.
Molecular consequence: missense variant.
Genome position (GRCh38, 1-based): chr1:225,206,006, G>A. VCF-style: chr1-225206006-G-A. GRCh37 (hg19) VCF-style: chr1-225393708-G-A.
Other names: NM_001373.1:c.5947G>A; short protein forms V2005M.
Identifiers: ClinVar variation 3365338 (VCV003365338.1).
Genomic context (GRCh38, chr1:225,206,006, plus strand): 5'-ACATTAAAAATATTTTTCTCTCCAGATTTTGATTGGCAGTGGATTATCCTAGATGGCCCA[G>A]TGGACACCTTTTGGGTAGAAAATCTGAACTCTGTGCTAGATGATACTAGAACATTGTGCC-3'
Protein context (NP_001354408.1, residues 1995-2015): DWQWIILDGP[Val2005Met]DTFWVENLNS